The following is an entry in ClinVar:

ClinVar aggregate classification (germline): Likely pathogenic (1 of 4 stars; one submission).

Conditions:
Hereditary cancer-predisposing syndrome. Also called: Hereditary neoplastic syndrome; Hereditary Cancer Syndrome; Neoplastic Syndromes, Hereditary; Tumor predisposition. Identifiers: Orphanet 140162, MedGen C0027672, MeSH D009386, MONDO:0015356.

Submission:

Ambry Genetics
Classification: Likely pathogenic for Hereditary cancer-predisposing syndrome. Last evaluated: 2025-01-10. Review status: criteria provided, single submitter. Criteria: Ambry Variant Classification Scheme 2023. Collection method: clinical testing. Allele origin: germline.
Comment: The p.M74V variant (also known as c.220A>G), located in coding exon 4 of the MAX gene, results from an A to G substitution at nucleotide position 220. The methionine at codon 74 is replaced by valine, an amino acid with highly similar properties. This alteration has been reported in an individual with multiple pheochromocytomas whose tumor demonstrated loss of heterozygosity and positive MAX staining on immunohistochemistry (Burnichon N et al. Clin Cancer Res, 2012 May;18:2828-37). This alteration demonstrated abnormal luciferase activity in one functional study (Comino-M&eacute;ndez I et al. J Mol Med (Berl), 2015 Nov;93:1247-55). Based on internal structural analysis, M74V is moderately disruptive to protein function (Ambry internal data). This amino acid position is highly conserved in available vertebrate species. In addition, this alteration is predicted to be deleterious by in silico analysis. Based on the majority of available evidence to date, this variant is likely to be pathogenic.

Literature cited by the submitters: PubMed 22452945; PubMed 26070438.

NM_002382.5(MAX):c.220A>G (p.Met74Val)

Gene: MAX (MYC associated transcriptional regulator X; minus strand). Cytogenetic location: 14q23.3.
Variant type: single nucleotide variant.
Coding change: c.220A>G on transcript NM_002382.5 (MANE Select); coding-DNA position 220, A replaced by G.
Protein change: p.Met74Val; replaces methionine 74 with valine.
Molecular consequence: missense variant. On other transcripts: 5 prime UTR variant (6), non-coding transcript variant (7), intron variant (2).
Genome position (GRCh38, 1-based): chr14:65,077,988, T>C on the plus strand (A>G on the coding strand, the complement: MAX is on the minus strand). VCF-style: chr14-65077988-T-C. GRCh37 (hg19) VCF-style: chr14-65544706-T-C.
Other names: c.220A>G, p.Met74Val (NM_001407104.1, NM_001407094.1, NM_001407096.1 and 3 more transcripts); c.-55A>G (NM_001407105.1, NM_001407106.1, NM_001407107.1 and 1 more transcripts); c.193A>G, p.Met65Val (NM_001407109.1, NM_001407108.1, NM_001407110.1 and 6 more transcripts); c.-148A>G (NM_001407111.1, NM_001407112.1); c.112A>G, p.Met38Val (NM_001407098.1); c.144+15720A>G (NM_001271069.2); c.171+15720A>G (NM_197957.4); short protein forms M74V, M38V, M65V.
Identifiers: ClinVar variation 2568120 (VCV002568120.3), dbSNP rs2139754684, ClinGen allele CA390035777.